The following is an entry in ClinVar:

ClinVar aggregate classification (germline): Pathogenic (1 of 4 stars; one submission).

Submission:

Labcorp Genetics (formerly Invitae), Labcorp
Classification: Pathogenic. Last evaluated: 2022-06-08. Review status: criteria provided, single submitter. Criteria: Invitae Variant Classification Sherloc (09022015). Collection method: clinical testing. Allele origin: germline.
Comment: For these reasons, this variant has been classified as Pathogenic. This premature translational stop signal has been observed in individual(s) with Gitelman's syndrome (PMID: 33306824). This variant is not present in population databases (gnomAD no frequency). This sequence change creates a premature translational stop signal (p.Ile162Metfs*8) in the SLC12A3 gene. It is expected to result in an absent or disrupted protein product. Loss-of-function variants in SLC12A3 are known to be pathogenic (PMID: 20848653, 22009145, 25841442).

Literature cited by the submitters: PubMed 33306824; PubMed 20848653; PubMed 22009145; PubMed 25841442.

NM_001126108.2(SLC12A3):c.486_489del (p.Ile162fs)

Gene: SLC12A3 (solute carrier family 12 member 3; plus strand). Cytogenetic location: 16q13.
Variant type: Deletion.
Coding change: c.486_489del on transcript NM_001126108.2 (MANE Select); coding-DNA positions 486 to 489, 4 bases deleted (TACG; older notation c.486_489delTACG).
Protein change: p.Ile162fs; shifts the reading frame from isoleucine 162.
Molecular consequence: frameshift variant.
Genome position (GRCh38, 1-based): chr16:56,868,353-56,868,356, TACG deleted. VCF-style (leftmost placement, unchanged base first): chr16-56868352-TTACG-T. GRCh37 (hg19) VCF-style: chr16-56902264-TTACG-T.
Other names: c.486_489del, p.Ile162fs (NM_000339.3); c.483_486del, p.Ile161fs (NM_001126107.2); c.483_486delTACG, p.Ile161Metfs (NM_001410896.1); short protein forms I162fs, I161fs.
Identifiers: ClinVar variation 1986765 (VCV001986765.4), dbSNP rs2543476037, ClinGen allele CA2580091676.